The following is an entry in ClinVar:

ClinVar aggregate classification (germline): Uncertain significance (1 of 4 stars; one submission).

Conditions:
Ataxia-telangiectasia syndrome (AT). Also called: Ataxia-telangiectasia; LOUIS-BAR SYNDROME; Ataxia-telangiectasia, complementation group D; AT, COMPLEMENTATION GROUP C; ATAXIA-TELANGIECTASIA, COMPLEMENTATION GROUP A; ATAXIA-TELANGIECTASIA, FRESNO VARIANT. Identifiers: Orphanet 100, MedGen C0004135, MONDO:0008840, OMIM 208900.

Allele frequency attached by ClinVar (database versions not stated): gnomAD exomes below 0.00001; ExAC 0.00001.
gnomAD v4.1: 1 of 1,610,990 alleles (0.000062%); highest among the groups gnomAD compares: Non-Finnish European, 0.000085%; no homozygotes.

Submission:

Labcorp Genetics (formerly Invitae), Labcorp
Classification: Uncertain significance for Ataxia-telangiectasia syndrome. Last evaluated: 2021-09-07. Review status: criteria provided, single submitter. Criteria: Invitae Variant Classification Sherloc (09022015). Collection method: clinical testing. Allele origin: germline.
Comment: In summary, the available evidence is currently insufficient to determine the role of this variant in disease. Therefore, it has been classified as a Variant of Uncertain Significance. Advanced modeling of protein sequence and biophysical properties (such as structural, functional, and spatial information, amino acid conservation, physicochemical variation, residue mobility, and thermodynamic stability) performed at Invitae indicates that this missense variant is not expected to disrupt ATM protein function. This variant has not been reported in the literature in individuals affected with ATM-related conditions. This variant is present in population databases (rs765763407, ExAC 0.001%). This sequence change replaces methionine with isoleucine at codon 2107 of the ATM protein (p.Met2107Ile). The methionine residue is moderately conserved and there is a small physicochemical difference between methionine and isoleucine.

NM_000051.4(ATM):c.6321G>A (p.Met2107Ile)

Genes: ATM (ATM serine/threonine kinase; plus strand), C11orf65 (chromosome 11 open reading frame 65; minus strand). Cytogenetic location: 11q22.3.
Variant type: single nucleotide variant.
Coding change: c.6321G>A on transcript NM_000051.4 (MANE Select); coding-DNA position 6321, G replaced by A.
Protein change: p.Met2107Ile; replaces methionine 2107 with isoleucine.
Molecular consequence: missense variant. On other transcripts: intron variant (2).
Genome position (GRCh38, 1-based): chr11:108,317,495, G>A. VCF-style: chr11-108317495-G-A. GRCh37 (hg19) VCF-style: chr11-108188222-G-A.
Other names: c.6321G>A, p.Met2107Ile (NM_001351834.2); c.641-8424C>T (NM_001330368.2); c.*39-8424C>T (NM_001351110.2); short protein forms M2107I.
Identifiers: ClinVar variation 1437099 (VCV001437099.7), dbSNP rs765763407, ClinGen allele CA6265903.